The following is an entry in ClinVar:

NM_000176.3(NR3C1):c.*3550G>A

Gene: NR3C1 (nuclear receptor subfamily 3 group C member 1; minus strand). Cytogenetic location: 5q31.3.
Variant type: single nucleotide variant.
Coding change: c.*3550G>A on transcript NM_000176.3 (MANE Select); 3550 bases downstream of the stop codon, G replaced by A.
Molecular consequence: 3 prime UTR variant. On other transcripts: non-coding transcript variant (1).
Genome position (GRCh38, 1-based): chr5:143,278,339, C>T on the plus strand (G>A on the coding strand, the complement: NR3C1 is on the minus strand). VCF-style: chr5-143278339-C-T. GRCh37 (hg19) VCF-style: chr5-142657904-C-T.
Other names: c.*3550G>A (NM_001018074.1, NM_001018075.1, NM_001018076.2 and 15 more transcripts); c.*1025G>A (NM_001020825.2).
Identifiers: ClinVar variation 351316 (VCV000351316.6), dbSNP rs10482714, ClinGen allele CA10623043.

ClinVar aggregate classification (germline): Likely benign. Review status: criteria provided, multiple submitters, no conflicts (2 of 4 stars). 2 submissions from 2 submitters: Likely benign (2). Last evaluated 2018-01-12.

Conditions:
Glucocorticoid resistance. Also called: Glucocorticoid resistance, generalized; Gccr deficiency; Glucocorticoid receptor deficiency; Cortisol resistance from glucocorticoid receptor defect; Gcr deficiency. Identifiers: Orphanet 786, MedGen C1841972, MONDO:0014421, OMIM 615962.

Allele frequency attached by ClinVar (database versions not stated): TOPMed 0.00574; 1000 Genomes Project 30x 0.00796; 1000 Genomes Project 0.00958; gnomAD 0.01274.

Submissions (2):

Illumina Laboratory Services, Illumina
Classification: Likely benign for Glucocorticoid resistance. Last evaluated: 2018-01-12. Review status: criteria provided, single submitter. Criteria: ICSL Variant Classification Criteria 13 December 2019. Collection method: clinical testing. Allele origin: germline.
Comment: This variant was observed in the ICSL laboratory as part of a predisposition screen in an ostensibly healthy population. It had not been previously curated by ICSL or reported in the Human Gene Mutation Database (HGMD: prior to June 1st, 2018), and was therefore a candidate for classification through an automated scoring system. Utilizing variant allele frequency, disease prevalence and penetrance estimates, and inheritance mode, an automated score was calculated to assess if this variant is too frequent to cause the disease. Based on the score and internal cut-off values, a variant classified as likely benign is not then subjected to further curation. The score for this variant resulted in a classification of likely benign for this disease.

Breakthrough Genomics
Classification: Likely benign. Review status: criteria provided, single submitter. Criteria: ACMG Guidelines, 2015. Collection method: not provided. Allele origin: germline. Inheritance: Autosomal dominant inheritance. Affected: yes.